The following is an entry in ClinVar:

NM_024675.4(PALB2):c.3284T>C (p.Ile1095Thr)

Gene: PALB2 (partner and localizer of BRCA2; minus strand). Cytogenetic location: 16p12.2.
Variant type: single nucleotide variant.
Coding change: c.3284T>C on transcript NM_024675.4 (MANE Select); coding-DNA position 3284, T replaced by C.
Protein change: p.Ile1095Thr; replaces isoleucine 1095 with threonine.
Molecular consequence: missense variant.
Genome position (GRCh38, 1-based): chr16:23,607,930, A>G on the plus strand (T>C on the coding strand, the complement: PALB2 is on the minus strand). VCF-style: chr16-23607930-A-G. GRCh37 (hg19) VCF-style: chr16-23619251-A-G.
Other names: short protein forms I1095T.
Identifiers: ClinVar variation 945384 (VCV000945384.13), dbSNP rs1966508816, ClinGen allele CA395139590.

ClinVar aggregate classification (germline): Uncertain significance. Review status: criteria provided, multiple submitters, no conflicts (2 of 4 stars). 2 submissions from 2 submitters: Uncertain significance (2). Last evaluated 2025-06-24.

Conditions:
Hereditary cancer-predisposing syndrome. Also called: Neoplastic Syndromes, Hereditary; Hereditary Cancer Syndrome; Tumor predisposition; Hereditary neoplastic syndrome. Identifiers: Orphanet 140162, MedGen C0027672, MeSH D009386, MONDO:0015356.
Familial cancer of breast. Also called: hereditary breast carcinoma; BREAST CANCER, FAMILIAL; Hereditary breast cancer. Identifiers: Orphanet 227535, MedGen C0346153, MONDO:0016419, OMIM 114480. Disease mechanism: loss of function.

Allele frequency attached by ClinVar (database versions not stated): gnomAD exomes below 0.00001.
gnomAD v4.1: 1 of 1,614,176 alleles (0.000062%); highest among the groups gnomAD compares: Non-Finnish European, 0.000085%; no homozygotes.

Submissions (2):

Ambry Genetics
Classification: Uncertain significance for Hereditary cancer-predisposing syndrome. Last evaluated: 2025-06-24. Review status: criteria provided, single submitter. Criteria: Ambry Variant Classification Scheme 2023. Collection method: clinical testing. Allele origin: germline.
Comment: The p.I1095T variant (also known as c.3284T>C), located in coding exon 12 of the PALB2 gene, results from a T to C substitution at nucleotide position 3284. The isoleucine at codon 1095 is replaced by threonine, an amino acid with similar properties. This amino acid position is conserved. In addition, this alteration is predicted to be tolerated by in silico analysis. Since supporting evidence is limited at this time, the clinical significance of this alteration remains unclear.

Labcorp Genetics (formerly Invitae), Labcorp
Classification: Uncertain significance for Familial cancer of breast. Last evaluated: 2024-12-30. Review status: criteria provided, single submitter. Criteria: Invitae Variant Classification Sherloc (09022015). Collection method: clinical testing. Allele origin: germline.
Comment: This sequence change replaces isoleucine, which is neutral and non-polar, with threonine, which is neutral and polar, at codon 1095 of the PALB2 protein (p.Ile1095Thr). This variant is not present in population databases (gnomAD no frequency). This variant has not been reported in the literature in individuals affected with PALB2-related conditions. ClinVar contains an entry for this variant (Variation ID: 945384). An algorithm developed to predict the effect of missense changes on protein structure and function (PolyPhen-2) suggests that this variant is likely to be disruptive. In summary, the available evidence is currently insufficient to determine the role of this variant in disease. Therefore, it has been classified as a Variant of Uncertain Significance.